The following is an entry in ClinVar:

NC_000016.10:g.(89767238_89769836)_(89775816_89778800)del

Gene: FANCA (FA complementation group A; minus strand). Cytogenetic location: 16q24.3.
Variant type: Deletion.
Identifiers: ClinVar variation 974129 (VCV000974129.1).

ClinVar aggregate classification (germline): Pathogenic (0 of 4 stars; one submission).

Conditions:
Fanconi anemia complementation group A (FANCA). Also called: Fanconi anemia, group A; FANCA-Related Fanconi Anemia. Identifiers: Orphanet 84, MedGen C3469521, MONDO:0009215, OMIM 227650.

Submission:

Leiden Open Variation Database
Classification: Pathogenic for Fanconi anemia complementation group A. Last evaluated: 2020-02-28. Review status: no assertion criteria provided. Collection method: curation. Allele origin: germline. Affected: yes.
Comment: Curator: Arleen D. Auerbach. Submitter to LOVD: Arleen D. Auerbach.